The following is an entry in ClinVar:

ClinVar aggregate classification (germline): Uncertain significance (1 of 4 stars; one submission).

Submission:

Ambry Genetics
Classification: Uncertain significance. Last evaluated: 2025-08-07. Review status: criteria provided, single submitter. Criteria: Ambry Variant Classification Scheme 2023. Collection method: clinical testing. Allele origin: germline.
Comment: The p.K726R variant (also known as c.2177A>G), located in coding exon 4 of the CDK12 gene, results from an A to G substitution at nucleotide position 2177. The lysine at codon 726 is replaced by arginine, an amino acid with highly similar properties. This amino acid position is conserved. In addition, the in silico prediction for this alteration is inconclusive. Based on the available evidence, the clinical significance of this variant remains unclear.

NM_016507.4(CDK12):c.2177A>G (p.Lys726Arg)

Gene: CDK12 (cyclin dependent kinase 12; plus strand). Cytogenetic location: 17q12.
Variant type: single nucleotide variant.
Coding change: c.2177A>G on transcript NM_016507.4 (MANE Select); coding-DNA position 2177, A replaced by G.
Protein change: p.Lys726Arg; replaces lysine 726 with arginine.
Molecular consequence: missense variant.
Genome position (GRCh38, 1-based): chr17:39,492,819, A>G. VCF-style: chr17-39492819-A-G. GRCh37 (hg19) VCF-style: chr17-37649072-A-G.
Other names: c.2177A>G, p.Lys726Arg (NM_015083.4); short protein forms K726R.
Identifiers: ClinVar variation 4224358 (VCV004224358.1).